The following is an entry in ClinVar:

NM_201384.3(PLEC):c.7607G>A (p.Arg2536Gln)

Gene: PLEC (plectin; minus strand). Cytogenetic location: 8q24.3.
Variant type: single nucleotide variant.
Coding change: c.7607G>A on transcript NM_201384.3 (MANE Select); coding-DNA position 7607, G replaced by A.
Protein change: p.Arg2536Gln; replaces arginine 2536 with glutamine.
Molecular consequence: missense variant.
Genome position (GRCh38, 1-based): chr8:143,922,214, C>T on the plus strand (G>A on the coding strand, the complement: PLEC is on the minus strand). VCF-style: chr8-143922214-C-T. GRCh37 (hg19) VCF-style: chr8-144996382-C-T.
Other names: c.7688G>A (NM_000445.3); c.7688G>A, p.Arg2563Gln (NM_000445.5); c.7565G>A, p.Arg2522Gln (NM_201378.4); c.7541G>A, p.Arg2514Gln (NM_201379.3); c.8018G>A, p.Arg2673Gln (NM_201380.4); c.7511G>A, p.Arg2504Gln (NM_201381.3); c.7607G>A, p.Arg2536Gln (NM_201382.4); c.7619G>A, p.Arg2540Gln (NM_201383.3); short protein forms R2536Q, R2540Q, R2563Q, R2673Q, R2514Q, R2504Q, R2522Q.
Identifiers: ClinVar variation 640866 (VCV000640866.10), dbSNP rs375376175, ClinGen allele CA4925568.

ClinVar aggregate classification (germline): Uncertain significance. Review status: criteria provided, multiple submitters, no conflicts (2 of 4 stars). 3 submissions from 3 submitters: Uncertain significance (3). Last evaluated 2025-11-22.

Conditions:
Epidermolysis bullosa simplex, Ogna type (EBS5A). Also called: Pidermolysis bullosa simplex 5A, Ogna type; EPIDERMOLYSIS BULLOSA SIMPLEX 5A, OGNA TYPE. Identifiers: Orphanet 79401, MedGen C0432317, MONDO:0007555, OMIM 131950.
Autosomal recessive limb-girdle muscular dystrophy type 2Q (LGMDR17). Also called: MUSCULAR DYSTROPHY, LIMB-GIRDLE, AUTOSOMAL RECESSIVE 17. Identifiers: Orphanet 254361, MedGen C3150989, MONDO:0013390, OMIM 613723.
Epidermolysis bullosa simplex with nail dystrophy (EBS5D). Identifiers: MedGen C4225309, MONDO:0014661, OMIM 616487.
Epidermolysis bullosa simplex 5B, with muscular dystrophy (EBS5B). Also called: Epidermolysis bullosa simplex with muscular dystrophy; EPIDERMOLYSIS BULLOSA SIMPLEX AND LIMB-GIRDLE MUSCULAR DYSTROPHY. Identifiers: Orphanet 257, MedGen C2931072, MONDO:0009181, OMIM 226670.
Epidermolysis bullosa simplex 5C, with pyloric atresia (EBS5C). Also called: PLEC-Related Epidermolysis Bullosa with Pyloric Atresia; Epidermolysis bullosa simplex with pyloric atresia; PLEC1-Related Epidermolysis Bullosa with Pyloric Atresia. Identifiers: Orphanet 158684, MedGen C2677349, MONDO:0012807, OMIM 612138.
Inborn genetic diseases. Identifiers: MedGen C0950123, MeSH D030342.

Allele frequency attached by ClinVar (database versions not stated): TOPMed 0.00004; gnomAD 0.00005 and 0.00007; gnomAD exomes 0.00007 and 0.00016; ESP Exome Variant Server 0.00008; 1000 Genomes Project 30x 0.00016; ExAC 0.00036.
gnomAD v4.1: 111 of 1,561,922 alleles (0.0071%); highest among the groups gnomAD compares: South Asian, 0.099%; no homozygotes.

Submissions (3):

Labcorp Genetics (formerly Invitae), Labcorp
Classification: Uncertain significance for Autosomal recessive limb-girdle muscular dystrophy type 2Q; Epidermolysis bullosa simplex, Ogna type; Epidermolysis bullosa simplex with nail dystrophy; Epidermolysis bullosa simplex 5C, with pyloric atresia; Epidermolysis bullosa simplex 5B, with muscular dystrophy. Last evaluated: 2025-11-22. Review status: criteria provided, single submitter. Criteria: Invitae Variant Classification Sherloc (09022015). Collection method: clinical testing. Allele origin: germline.
Comment: This sequence change replaces arginine, which is basic and polar, with glutamine, which is neutral and polar, at codon 2563 of the PLEC protein (p.Arg2563Gln). This variant is present in population databases (rs375376175, gnomAD 0.09%). This variant has not been reported in the literature in individuals affected with PLEC-related conditions. ClinVar contains an entry for this variant (Variation ID: 640866). Invitae Evidence Modeling of protein sequence and biophysical properties (such as structural, functional, and spatial information, amino acid conservation, physicochemical variation, residue mobility, and thermodynamic stability) indicates that this missense variant is not expected to disrupt PLEC protein function with a negative predictive value of 80%. In summary, the available evidence is currently insufficient to determine the role of this variant in disease. Therefore, it has been classified as a Variant of Uncertain Significance.

Ambry Genetics
Classification: Uncertain significance for Inborn genetic diseases. Last evaluated: 2024-10-11. Review status: criteria provided, single submitter. Criteria: Ambry Variant Classification Scheme 2023. Collection method: clinical testing. Allele origin: germline.

Clinical Genetics Laboratory, Skane University Hospital Lund
Classification: Uncertain significance. Last evaluated: 2023-06-15. Review status: criteria provided, single submitter. Criteria: ACMG Guidelines, 2015. Collection method: clinical testing. Allele origin: germline. Affected: yes.